The following is an entry in ClinVar:

ClinVar aggregate classification (germline): Uncertain significance (1 of 4 stars; one submission).

Submission:

GeneDx
Classification: Uncertain significance. Last evaluated: 2019-11-15. Review status: criteria provided, single submitter. Criteria: GeneDx Variant Classification Process June 2021. Collection method: clinical testing. Allele origin: germline. Affected: yes.
Comment: Not observed in large population cohorts (Lek et al., 2016); In silico analysis, which includes protein predictors and evolutionary conservation, supports a deleterious effect; Has not been previously published as pathogenic or benign to our knowledge

NM_003491.4(NAA10):c.112T>A (p.Trp38Arg)

Gene: NAA10 (N-alpha-acetyltransferase 10, NatA catalytic subunit; minus strand). Cytogenetic location: Xq28.
Variant type: single nucleotide variant.
Coding change: c.112T>A on transcript NM_003491.4 (MANE Select); coding-DNA position 112, T replaced by A.
Protein change: p.Trp38Arg; replaces tryptophan 38 with arginine.
Molecular consequence: missense variant.
Genome position (GRCh38, 1-based): chrX:153,934,385, A>T on the plus strand (T>A on the coding strand, the complement: NAA10 is on the minus strand). VCF-style: chrX-153934385-A-T. GRCh37 (hg19) VCF-style: chrX-153199838-A-T.
Other names: c.112T>A, p.Trp38Arg (NM_001256119.2, NM_001256120.2); short protein forms W38R.
Identifiers: ClinVar variation 1309946 (VCV001309946.2), dbSNP rs2148536647, ClinGen allele CA415161773.